The following is an entry in ClinVar:

ClinVar aggregate classification (germline): Conflicting classifications of pathogenicity. Review status: criteria provided, conflicting classifications (1 of 4 stars). 4 submissions from 4 submitters: Uncertain significance (3); Likely benign (1). Last evaluated 2024-06-10.

Conditions:
Breast-ovarian cancer, familial, susceptibility to, 5 (BROVCA5). Identifiers: MedGen C5830615, MONDO:0957530, OMIM 620442.
Hereditary cancer-predisposing syndrome. Also called: Hereditary neoplastic syndrome; Tumor predisposition; Neoplastic Syndromes, Hereditary; Hereditary Cancer Syndrome. Identifiers: Orphanet 140162, MedGen C0027672, MeSH D009386, MONDO:0015356.
Familial cancer of breast. Also called: Hereditary breast cancer; BREAST CANCER, FAMILIAL; hereditary breast carcinoma. Identifiers: Orphanet 227535, MedGen C0346153, MONDO:0016419, OMIM 114480. Disease mechanism: loss of function.

Allele frequency attached by ClinVar (database versions not stated): gnomAD exomes below 0.00001; gnomAD 0.00001.
gnomAD v4.1: 2 of 1,614,160 alleles (0.00012%); highest among the groups gnomAD compares: Middle Eastern, 0.033%; no homozygotes.

Submissions (4):

Department of Pathology and Laboratory Medicine, Sinai Health System
Classification: Uncertain significance for Breast-ovarian cancer, familial, susceptibility to, 5. Last evaluated: 2024-06-10. Review status: criteria provided, single submitter. Criteria: ACMG Guidelines, 2015. Collection method: clinical testing. Allele origin: germline. Affected: yes.

Ambry Genetics
Classification: Likely benign for Hereditary cancer-predisposing syndrome. Last evaluated: 2021-08-02. Review status: criteria provided, single submitter. Criteria: Ambry Variant Classification Scheme 2023. Collection method: clinical testing. Allele origin: germline.

Labcorp Genetics (formerly Invitae), Labcorp
Classification: Uncertain significance for Familial cancer of breast. Last evaluated: 2020-11-22. Review status: criteria provided, single submitter. Criteria: Invitae Variant Classification Sherloc (09022015). Collection method: clinical testing. Allele origin: germline.
Comment: In summary, the available evidence is currently insufficient to determine the role of this variant in disease. Therefore, it has been classified as a Variant of Uncertain Significance. Algorithms developed to predict the effect of missense changes on protein structure and function output the following: SIFT: "Tolerated"; PolyPhen-2: "Benign"; Align-GVGD: "Class C0". The leucine amino acid residue is found in multiple mammalian species, suggesting that this missense change does not adversely affect protein function. These predictions have not been confirmed by published functional studies and their clinical significance is uncertain. This variant has not been reported in the literature in individuals with PALB2-related disease. ClinVar contains an entry for this variant (Variation ID: 418891). This variant is not present in population databases (ExAC no frequency). This sequence change replaces valine with leucine at codon 248 of the PALB2 protein (p.Val248Leu). The valine residue is moderately conserved and there is a small physicochemical difference between valine and leucine.

GeneDx
Classification: Uncertain significance. Last evaluated: 2015-04-14. Review status: criteria provided, single submitter. Criteria: GeneDx Variant Classification (06012015). Collection method: clinical testing. Allele origin: germline. Affected: yes.
Comment: This variant is denoted PALB2 c.742G>C at the cDNA level, p.Val248Leu (V248L) at the protein level, and results in the change of a Valine to a Leucine (GTT>CTT). This variant has not, to our knowledge, been published in the literature as pathogenic or benign. PALB2 Val248Leu was not observed in approximately 6,500 individuals of European and African American ancestry in the NHLBI Exome Sequencing Project, indicating it is not a common benign variant in these populations. Since Valine and Leucine share similar properties, this is considered a conservative amino acid substitution. PALB2 Val248Leu occurs at a position that is not conserved across species and is not located within a known functional domain (Teo 2013). In silico analyses predict that this variant is unlikely to alter protein structure or function. Based on currently available information, it is unclear whether PALB2 Val248Leu is pathogenic or benign. We consider it to be a variant of uncertain significance.

NM_024675.4(PALB2):c.742G>C (p.Val248Leu)

Gene: PALB2 (partner and localizer of BRCA2; minus strand). Cytogenetic location: 16p12.2.
Variant type: single nucleotide variant.
Coding change: c.742G>C on transcript NM_024675.4 (MANE Select); coding-DNA position 742, G replaced by C.
Protein change: p.Val248Leu; replaces valine 248 with leucine.
Molecular consequence: missense variant.
Genome position (GRCh38, 1-based): chr16:23,635,804, C>G on the plus strand (G>C on the coding strand, the complement: PALB2 is on the minus strand). VCF-style: chr16-23635804-C-G. GRCh37 (hg19) VCF-style: chr16-23647125-C-G.
Other names: short protein forms V248L.
Identifiers: ClinVar variation 418891 (VCV000418891.16), dbSNP rs572102702, ClinGen allele CA16620157.
Genomic context (GRCh38, chr16:23,635,804, plus strand): 5'-TAGGAGGAATGTGTTCAAGGTGCTGACTACTACCGCTATCTGATAGAGTCTGTAAAGGAA[C>G]TGTAGTCGCCCTGGTGAAATTAGGTCTTCTTAGGAATGTATCAACACCTTTTTCTGGTTG-3'
Protein context (NP_078951.2, residues 238-258): RRPNFTRATT[Val248Leu]PLQTLSDSGS